The following is an entry in ClinVar:

ClinVar aggregate classification (germline): Uncertain significance. Review status: criteria provided, multiple submitters, no conflicts (2 of 4 stars). 3 submissions from 3 submitters: Uncertain significance (3). Last evaluated 2026-01-08.

Conditions:
Spondylocostal dysostosis 2, autosomal recessive (SCDO2). Also called: MESP2-Related Spondylocostal Dysostosis, Autosomal Recessive; Spondylocostal dysostosis type 2. Identifiers: Orphanet 2311, MedGen C1837549, MONDO:0012097, OMIM 608681.
Inborn genetic diseases. Identifiers: MedGen C0950123, MeSH D030342.

Allele frequency attached by ClinVar (database versions not stated): TOPMed 0.00003; gnomAD 0.00007.

Submissions (3):

Labcorp Genetics (formerly Invitae), Labcorp
Classification: Uncertain significance. Last evaluated: 2026-01-08. Review status: criteria provided, single submitter. Criteria: Invitae Variant Classification Sherloc (09022015). Collection method: clinical testing. Allele origin: germline.
Comment: This sequence change replaces alanine, which is neutral and non-polar, with threonine, which is neutral and polar, at codon 74 of the MESP2 protein (p.Ala74Thr). This variant is present in population databases (no rsID available, gnomAD 0.008%). This variant has not been reported in the literature in individuals affected with MESP2-related conditions. ClinVar contains an entry for this variant (Variation ID: 2433739). Invitae Evidence Modeling of protein sequence and biophysical properties (such as structural, functional, and spatial information, amino acid conservation, physicochemical variation, residue mobility, and thermodynamic stability) indicates that this missense variant is not expected to disrupt MESP2 protein function with a negative predictive value of 80%. In summary, the available evidence is currently insufficient to determine the role of this variant in disease. Therefore, it has been classified as a Variant of Uncertain Significance.

Ambry Genetics
Classification: Uncertain significance for Inborn genetic diseases. Last evaluated: 2024-05-09. Review status: criteria provided, single submitter. Criteria: Ambry Variant Classification Scheme 2023. Collection method: clinical testing. Allele origin: germline.

Revvity Omics, Revvity
Classification: Uncertain significance for Spondylocostal dysostosis 2, autosomal recessive. Last evaluated: 2021-03-30. Review status: criteria provided, single submitter. Criteria: ACMG Guidelines, 2015. Collection method: clinical testing. Allele origin: germline.

NM_001039958.2(MESP2):c.220G>A (p.Ala74Thr)

Gene: MESP2 (mesoderm posterior bHLH transcription factor 2; plus strand). Cytogenetic location: 15q26.1.
Variant type: single nucleotide variant.
Coding change: c.220G>A on transcript NM_001039958.2 (MANE Select); coding-DNA position 220, G replaced by A.
Protein change: p.Ala74Thr; replaces alanine 74 with threonine.
Molecular consequence: missense variant.
Genome position (GRCh38, 1-based): chr15:89,776,577, G>A. VCF-style: chr15-89776577-G-A. GRCh37 (hg19) VCF-style: chr15-90319808-G-A.
Other names: c.220G>A (NM_001039958.1); short protein forms A74T.
Identifiers: ClinVar variation 2433739 (VCV002433739.5), dbSNP rs1431475890, ClinGen allele CA393769335.